The following is an entry in ClinVar:

ClinVar aggregate classification (germline): Likely benign (1 of 4 stars; one submission).

Conditions:
CCDC22-related disorder. Also called: CCDC22-related condition.

gnomAD v4.1: 7 of 1,186,920 alleles (0.00059%); highest among the groups gnomAD compares: Non-Finnish European, 0.00079%; no homozygotes.

Submission:

PreventionGenetics, part of Exact Sciences
Classification: Likely benign for CCDC22-related condition. Last evaluated: 2025-04-14. Review status: criteria provided, single submitter. Criteria: ACMG Guidelines, 2015. Collection method: clinical testing. Allele origin: germline.
Comment: This variant is classified as likely benign based on ACMG/AMP sequence variant interpretation guidelines (Richards et al. 2015 PMID: 25741868, with internal and published modifications).

NM_014008.5(CCDC22):c.42G>A (p.Gln14=)

Gene: CCDC22 (CCC complex scaffolding subunit CCDC22; plus strand). Cytogenetic location: Xp11.23.
Variant type: single nucleotide variant.
Coding change: c.42G>A on transcript NM_014008.5 (MANE Select); coding-DNA position 42, G replaced by A.
Protein change: p.Gln14=; no amino-acid change (glutamine 14 retained).
Molecular consequence: synonymous variant.
Genome position (GRCh38, 1-based): chrX:49,235,678, G>A. VCF-style: chrX-49235678-G-A. GRCh37 (hg19) VCF-style: chrX-49092138-G-A.
Identifiers: ClinVar variation 4990745 (VCV004990745.1).